The following is an entry in ClinVar:

ClinVar aggregate classification (germline): Uncertain significance. Review status: criteria provided, multiple submitters, no conflicts (2 of 4 stars). 2 submissions from 2 submitters: Uncertain significance (2). Last evaluated 2025-03-19.

Conditions:
Left ventricular noncompaction 8 (LVNC8). Identifiers: Orphanet 154, Orphanet 54260, MedGen C3809288, MONDO:0014152, OMIM 615373.

Allele frequency attached by ClinVar (database versions not stated): gnomAD exomes 0.00001; TOPMed below 0.00001; ExAC 0.00001; gnomAD 0.00001.
gnomAD v4.1: 13 of 1,613,350 alleles (0.00081%); highest among the groups gnomAD compares: Admixed American, 0.0033%; no homozygotes.

Submissions (2):

Labcorp Genetics (formerly Invitae), Labcorp
Classification: Uncertain significance for Left ventricular noncompaction 8. Last evaluated: 2025-03-19. Review status: criteria provided, single submitter. Criteria: Invitae Variant Classification Sherloc (09022015). Collection method: clinical testing. Allele origin: germline.
Comment: This sequence change replaces methionine, which is neutral and non-polar, with valine, which is neutral and non-polar, at codon 300 of the PRDM16 protein (p.Met300Val). This variant is present in population databases (rs780699187, gnomAD 0.006%). This variant has not been reported in the literature in individuals affected with PRDM16-related conditions. ClinVar contains an entry for this variant (Variation ID: 1810168). An algorithm developed to predict the effect of missense changes on protein structure and function (PolyPhen-2) suggests that this variant is likely to be tolerated. In summary, the available evidence is currently insufficient to determine the role of this variant in disease. Therefore, it has been classified as a Variant of Uncertain Significance.

GeneDx
Classification: Uncertain significance. Last evaluated: 2022-12-22. Review status: criteria provided, single submitter. Criteria: GeneDx Variant Classification Process June 2021. Collection method: clinical testing. Allele origin: germline. Affected: yes.
Comment: Has not been previously published as pathogenic or benign to our knowledge; Not observed at significant frequency in large population cohorts (gnomAD); In silico analysis supports that this missense variant does not alter protein structure/function

NM_022114.4(PRDM16):c.898A>G (p.Met300Val)

Gene: PRDM16 (PR/SET domain 16; plus strand). Cytogenetic location: 1p36.32.
Variant type: single nucleotide variant.
Coding change: c.898A>G on transcript NM_022114.4 (MANE Select); coding-DNA position 898, A replaced by G.
Protein change: p.Met300Val; replaces methionine 300 with valine.
Molecular consequence: missense variant.
Genome position (GRCh38, 1-based): chr1:3,404,752, A>G. VCF-style: chr1-3404752-A-G. GRCh37 (hg19) VCF-style: chr1-3321316-A-G.
Other names: c.898A>G, p.Met300Val (NM_199454.3); short protein forms M300V.
Identifiers: ClinVar variation 1810168 (VCV001810168.3), dbSNP rs780699187, ClinGen allele CA544024.